The following is an entry in ClinVar:

NM_005172.2(ATOH1):c.756dup (p.Ala253fs)

Gene: ATOH1 (atonal bHLH transcription factor 1; plus strand). Cytogenetic location: 4q22.2.
Variant type: Duplication.
Coding change: c.756dup on transcript NM_005172.2 (MANE Select); coding-DNA position 756, one base duplicated (C; older notation c.756dupC).
Protein change: p.Ala253fs; shifts the reading frame from alanine 253.
Molecular consequence: frameshift variant.
Genome position (GRCh38, 1-based): chr4:93,829,682, C duplicated; the last of 2 consecutive C bases (chr4:93,829,681-93,829,682); duplicating either gives the same sequence. VCF-style (leftmost placement, unchanged base first): chr4-93829680-A-AC. GRCh37 (hg19) VCF-style: chr4-94750831-A-AC.
Other names: short protein forms A253fs.
Identifiers: ClinVar variation 2637384 (VCV002637384.1), dbSNP rs2547283642, ClinGen allele CA2695199392.
Genomic context (GRCh38, chr4:93,829,680, plus strand): 5'-AAAAGCGACCACCACCACCTTCGCACCGCGGCCTCCTATGAAGGGGGCGCGGGCAACGCG[A>AC]CCGCAGCTGGGGCTCAGCAGGCTTCCGGAGGGAGCCAGCGGCCGACCCCGCCCGGGAGTT-3'

ClinVar aggregate classification (germline): Uncertain significance (1 of 4 stars; one submission).

Conditions:
ATOH1-related disorder. Also called: ATOH1-related condition.

Submission:

PreventionGenetics, part of Exact Sciences
Classification: Uncertain significance for ATOH1-related condition. Last evaluated: 2022-09-22. Review status: criteria provided, single submitter. Criteria: ACMG Guidelines, 2015. Collection method: clinical testing. Allele origin: germline.
Comment: The ATOH1 c.756dupC variant is predicted to result in a frameshift and premature protein termination (p.Ala253Argfs*97). To our knowledge, this variant has not been reported in the literature or in a large population database, indicating this variant is rare. At this time, the clinical significance of this variant is uncertain due to the absence of conclusive functional and genetic evidence.